The following is an entry in ClinVar:

ClinVar aggregate classification (germline): Uncertain significance (1 of 4 stars; one submission).

Conditions:
Nemaline myopathy 2 (NEM2). Also called: Nemaline myopathy 2, autosomal recessive. Identifiers: MedGen C1850569, MONDO:0009725, OMIM 256030.

Allele frequency attached by ClinVar (database versions not stated): gnomAD exomes below 0.00001; gnomAD 0.00001.
gnomAD v4.1: 3 of 1,609,992 alleles (0.00019%); highest among the groups gnomAD compares: South Asian, 0.0022%; no homozygotes.

Submission:

Labcorp Genetics (formerly Invitae), Labcorp
Classification: Uncertain significance for Nemaline myopathy 2. Last evaluated: 2022-06-10. Review status: criteria provided, single submitter. Criteria: Invitae Variant Classification Sherloc (09022015). Collection method: clinical testing. Allele origin: germline.
Comment: This sequence change replaces lysine, which is basic and polar, with glutamic acid, which is acidic and polar, at codon 2795 of the NEB protein (p.Lys2795Glu). This variant is present in population databases (no rsID available, gnomAD 0.003%). This variant has not been reported in the literature in individuals affected with NEB-related conditions. Algorithms developed to predict the effect of missense changes on protein structure and function are either unavailable or do not agree on the potential impact of this missense change (SIFT: "Deleterious"; PolyPhen-2: "Not Available"; Align-GVGD: "Class C0"). In summary, the available evidence is currently insufficient to determine the role of this variant in disease. Therefore, it has been classified as a Variant of Uncertain Significance.

NM_001164508.2(NEB):c.8383A>G (p.Lys2795Glu)

Gene: NEB (nebulin; minus strand). Cytogenetic location: 2q23.3.
Variant type: single nucleotide variant.
Coding change: c.8383A>G on transcript NM_001164508.2 (MANE Select); coding-DNA position 8383, A replaced by G.
Protein change: p.Lys2795Glu; replaces lysine 2795 with glutamic acid.
Molecular consequence: missense variant.
Genome position (GRCh38, 1-based): chr2:151,640,657, T>C on the plus strand (A>G on the coding strand, the complement: NEB is on the minus strand). VCF-style: chr2-151640657-T-C. GRCh37 (hg19) VCF-style: chr2-152497171-T-C.
Other names: c.8383A>G, p.Lys2795Glu (NM_001164507.2, NM_001271208.2, NM_004543.5); short protein forms K2795E.
Identifiers: ClinVar variation 1990125 (VCV001990125.1), dbSNP rs1488927834, ClinGen allele CA348811860.
Genomic context (GRCh38, chr2:151,640,657, plus strand): 5'-GGTCATCACGTATAGCTCGGGCACCAATGTGGTGGCCGAGCTGCTTACGATAGCCTTCTT[T>C]GTACTTGAACTAAAAGAAGAAAAAGACAGATAGTCATCTGTTTTAACTTTTAGTAAAAAG-3'
Protein context (NP_001157980.2, residues 2785-2805): SRDIASEFKY[Lys2795Glu]EGYRKQLGHH